The following is an entry in ClinVar:

ClinVar aggregate classification (germline): Likely benign. Review status: criteria provided, multiple submitters, no conflicts (2 of 4 stars). 2 submissions from 2 submitters: Likely benign (2). Last evaluated 2026-03-01.

Conditions:
Inborn genetic diseases. Identifiers: MedGen C0950123, MeSH D030342.

Allele frequency attached by ClinVar (database versions not stated): 1000 Genomes Project 30x 0.00016; ExAC 0.00024; gnomAD exomes 0.00037.

Submissions (2):

CeGaT Center for Human Genetics Tuebingen
Classification: Likely benign. Last evaluated: 2026-03-01. Review status: criteria provided, single submitter. Criteria: CeGaT Center For Human Genetics Tuebingen Variant Classification Criteria Version 2. Collection method: clinical testing. Allele origin: germline. Affected: yes. Observed: 1 variant allele.
Comment: FLG: BP4

Ambry Genetics
Classification: Likely benign for Inborn genetic diseases. Last evaluated: 2022-01-04. Review status: criteria provided, single submitter. Criteria: Ambry Variant Classification Scheme 2023. Collection method: clinical testing. Allele origin: germline.

NM_002016.2(FLG):c.8863A>G (p.Thr2955Ala)

Genes: CCDST (cervical cancer associated DHX9 suppressive transcript; plus strand), FLG (filaggrin; minus strand). Cytogenetic location: 1q21.3.
Variant type: single nucleotide variant.
Coding change: c.8863A>G on transcript NM_002016.2 (MANE Select); coding-DNA position 8863, A replaced by G.
Protein change: p.Thr2955Ala; replaces threonine 2955 with alanine.
Molecular consequence: missense variant.
Genome position (GRCh38, 1-based): chr1:152,306,023, T>C on the plus strand (A>G on the coding strand, the complement: FLG is on the minus strand). VCF-style: chr1-152306023-T-C. GRCh37 (hg19) VCF-style: chr1-152278499-T-C.
Other names: short protein forms T2955A.
Identifiers: ClinVar variation 2344772 (VCV002344772.6), dbSNP rs201192536, ClinGen allele CA1103990.